The following is an entry in ClinVar:

NM_000844.4(GRM7):c.2035C>T (p.Arg679Trp)

Gene: GRM7 (glutamate metabotropic receptor 7; plus strand). Cytogenetic location: 3p26.1.
Variant type: single nucleotide variant.
Coding change: c.2035C>T on transcript NM_000844.4 (MANE Select); coding-DNA position 2035, C replaced by T.
Protein change: p.Arg679Trp; replaces arginine 679 with tryptophan.
Molecular consequence: missense variant.
Genome position (GRCh38, 1-based): chr3:7,578,941, C>T. VCF-style: chr3-7578941-C-T. GRCh37 (hg19) VCF-style: chr3-7620628-C-T.
Other names: c.2035C>T, p.Arg679Trp (NM_181874.3); short protein forms R679W.
Identifiers: ClinVar variation 4976365 (VCV004976365.1).
Genomic context (GRCh38, chr3:7,578,941, plus strand): 5'-CGAGTTTTCTTGGGCTTGGGTATGTGCATCAGTTATGCAGCCCTCTTGACGAAAACAAAT[C>T]GGATTTATCGCATATTTGAGCAGGGCAAGAAATCAGTAACAGCTCCCAGACTCATAAGCC-3'
Protein context (NP_000835.1, residues 669-689): SYAALLTKTN[Arg679Trp]IYRIFEQGKK

ClinVar aggregate classification (germline): Uncertain significance (1 of 4 stars; one submission).

gnomAD v4.1: 7 of 1,613,962 alleles (0.00043%); highest among the groups gnomAD compares: Admixed American, 0.0017%; no homozygotes.

Submission:

GeneDx
Classification: Uncertain significance. Last evaluated: 2026-02-12. Review status: criteria provided, single submitter. Criteria: GeneDx Variant Classification Process June 2021. Collection method: clinical testing. Allele origin: germline.
Comment: Not observed at significant frequency in large population cohorts (gnomAD); In silico analysis supports that this missense variant has a deleterious effect on protein structure/function; Has not been previously published as pathogenic or benign to our knowledge